The following is an entry in ClinVar:

NM_024675.4(PALB2):c.580_584del (p.Glu194fs)

Gene: PALB2 (partner and localizer of BRCA2; minus strand). Cytogenetic location: 16p12.2.
Variant type: Deletion.
Coding change: c.580_584del on transcript NM_024675.4 (MANE Select); coding-DNA positions 580 to 584, 5 bases deleted (GAAAT; older notation c.580_584delGAAAT).
Protein change: p.Glu194fs; shifts the reading frame from glutamic acid 194.
Molecular consequence: frameshift variant.
Genome position (GRCh38, 1-based): chr16:23,635,962-23,635,966, ATTTC deleted on the plus strand (GAAAT on the coding strand, the reverse complement: PALB2 is on the minus strand); deleting any 5 consecutive bases within chr16:23,635,962-23,635,967 gives the same sequence; the c. name uses the placement nearest the transcript's 3' end. VCF-style (leftmost placement, unchanged base first): chr16-23635961-TATTTC-T. GRCh37 (hg19) VCF-style: chr16-23647282-TATTTC-T.
Other names: c.519_523delTGAAA, p.Glu174Lysfs (NM_001407296.1); c.579_583delTGAAA, p.Glu194Lysfs (NM_001407297.1, NM_001407298.1, NM_001407299.1 and 3 more transcripts); c.-307_-303delTGAAA (NM_001407304.1, NM_001407305.1, NM_001407306.1 and 5 more transcripts); c.580_584delGAAAT (NM_024675.3); short protein forms E194fs.
Identifiers: ClinVar variation 2008190 (VCV002008190.6), dbSNP rs2506506863, ClinGen allele CA2580091364.

ClinVar aggregate classification (germline): Pathogenic. Review status: criteria provided, multiple submitters, no conflicts (2 of 4 stars). 3 submissions from 3 submitters: Pathogenic (3). Last evaluated 2026-03-16.

Conditions:
Hereditary cancer-predisposing syndrome. Also called: Hereditary neoplastic syndrome; Neoplastic Syndromes, Hereditary; Tumor predisposition; Hereditary Cancer Syndrome. Identifiers: Orphanet 140162, MedGen C0027672, MeSH D009386, MONDO:0015356.
Familial cancer of breast. Also called: BREAST CANCER, FAMILIAL; hereditary breast carcinoma; Hereditary breast cancer. Identifiers: Orphanet 227535, MedGen C0346153, MONDO:0016419, OMIM 114480. Disease mechanism: loss of function.

Submissions (3):

Myriad Genetics, Inc.
Classification: Pathogenic for Familial cancer of breast. Last evaluated: 2026-03-16. Review status: criteria provided, single submitter. Criteria: Myriad Autosomal Dominant, Autosomal Recessive and X-Linked Classification Criteria (2023). Collection method: clinical testing. Allele origin: unknown.
Comment: This variant is considered pathogenic. This variant creates a frameshift predicted to result in premature protein truncation.

Ambry Genetics
Classification: Pathogenic for Hereditary cancer-predisposing syndrome. Last evaluated: 2024-07-31. Review status: criteria provided, single submitter. Criteria: Ambry Variant Classification Scheme 2023. Collection method: clinical testing. Allele origin: germline.
Comment: The c.580_584delGAAAT pathogenic mutation, located in coding exon 4 of the PALB2 gene, results from a deletion of 5 nucleotides at nucleotide positions 580 to 584, causing a translational frameshift with a predicted alternate stop codon (p.E194Kfs*8). This variant is considered to be rare based on population cohorts in the Genome Aggregation Database (gnomAD). This alteration is expected to result in loss of function by premature protein truncation or nonsense-mediated mRNA decay. As such, this alteration is interpreted as a disease-causing mutation.

Labcorp Genetics (formerly Invitae), Labcorp
Classification: Pathogenic for Familial cancer of breast. Last evaluated: 2022-06-21. Review status: criteria provided, single submitter. Criteria: Invitae Variant Classification Sherloc (09022015). Collection method: clinical testing. Allele origin: germline.
Comment: For these reasons, this variant has been classified as Pathogenic. This variant has not been reported in the literature in individuals affected with PALB2-related conditions. This variant is not present in population databases (gnomAD no frequency). This sequence change creates a premature translational stop signal (p.Glu194Lysfs*8) in the PALB2 gene. It is expected to result in an absent or disrupted protein product. Loss-of-function variants in PALB2 are known to be pathogenic (PMID: 17200668, 17200671, 17200672, 24136930, 25099575).

Literature cited by the submitters: PubMed 17200668 (cited by Labcorp Genetics (formerly Invitae), Labcorp); PubMed 17200671 (cited by Labcorp Genetics (formerly Invitae), Labcorp); PubMed 17200672 (cited by Labcorp Genetics (formerly Invitae), Labcorp); PubMed 24136930 (cited by Labcorp Genetics (formerly Invitae), Labcorp); PubMed 25099575 (cited by Labcorp Genetics (formerly Invitae), Labcorp).